The following is an entry in ClinVar:

NM_032043.3(BRIP1):c.856C>T (p.Pro286Ser)

Gene: BRIP1 (BRCA1 interacting DNA helicase 1; minus strand). Cytogenetic location: 17q23.2.
Variant type: single nucleotide variant.
Coding change: c.856C>T on transcript NM_032043.3 (MANE Select); coding-DNA position 856, C replaced by T.
Protein change: p.Pro286Ser; replaces proline 286 with serine.
Molecular consequence: missense variant.
Genome position (GRCh38, 1-based): chr17:61,808,529, G>A on the plus strand (C>T on the coding strand, the complement: BRIP1 is on the minus strand). VCF-style: chr17-61808529-G-A. GRCh37 (hg19) VCF-style: chr17-59885890-G-A.
Other names: short protein forms P286S.
Identifiers: ClinVar variation 822566 (VCV000822566.9), dbSNP rs770289817, ClinGen allele CA8690843.
Genomic context (GRCh38, chr17:61,808,529, plus strand): 5'-TTTTCCCATCTAGCAATTCCATGCACTTCTCATTTCTGTTGAAGTTACCGACTACCTCAG[G>A]ATGGACACAAGTATGATCCCTGCTGGAAAGAATAGTCATTGGAACCCCTGAATATGCCGT-3'
Protein context (NP_114432.2, residues 276-296): LSSRDHTCVH[Pro286Ser]EVVGNFNRNE

ClinVar aggregate classification (germline): Uncertain significance. Review status: criteria provided, multiple submitters, no conflicts (2 of 4 stars). 3 submissions from 3 submitters: Uncertain significance (3). Last evaluated 2024-08-18.

Conditions:
Familial cancer of breast. Also called: Hereditary breast cancer; hereditary breast carcinoma; BREAST CANCER, FAMILIAL. Identifiers: Orphanet 227535, MedGen C0346153, MONDO:0016419, OMIM 114480. Disease mechanism: loss of function.
Fanconi anemia complementation group J. Also called: BRIP1-Related Fanconi Anemia. Identifiers: Orphanet 84, MedGen C1836860, MONDO:0012187, OMIM 609054.
Breast and/or ovarian cancer. Identifiers: MedGen CN221562.
Hereditary cancer-predisposing syndrome. Also called: Hereditary Cancer Syndrome; Neoplastic Syndromes, Hereditary; Hereditary neoplastic syndrome; Tumor predisposition. Identifiers: Orphanet 140162, MedGen C0027672, MeSH D009386, MONDO:0015356.

Allele frequency attached by ClinVar (database versions not stated): gnomAD exomes below 0.00001 and 0.00001; ExAC 0.00001.
gnomAD v4.1: 12 of 1,613,610 alleles (0.00074%); highest among the groups gnomAD compares: Non-Finnish European, 0.00085%; no homozygotes.

Submissions (3):

Ambry Genetics
Classification: Uncertain significance for Hereditary cancer-predisposing syndrome. Last evaluated: 2024-08-18. Review status: criteria provided, single submitter. Criteria: Ambry Variant Classification Scheme 2023. Collection method: clinical testing. Allele origin: germline.
Comment: The p.P286S variant (also known as c.856C>T), located in coding exon 6 of the BRIP1 gene, results from a C to T substitution at nucleotide position 856. The proline at codon 286 is replaced by serine, an amino acid with similar properties. This amino acid position is highly conserved in available vertebrate species. In addition, the in silico prediction for this alteration is inconclusive. Since supporting evidence is limited at this time, the clinical significance of this alteration remains unclear.

CHEO Genetics Diagnostic Laboratory, Children's Hospital of Eastern Ontario
Classification: Uncertain significance for Breast and/or ovarian cancer. Last evaluated: 2023-04-24. Review status: criteria provided, single submitter. Criteria: ACMG Guidelines, 2015. Collection method: clinical testing. Allele origin: germline.

Labcorp Genetics (formerly Invitae), Labcorp
Classification: Uncertain significance for Familial cancer of breast; Fanconi anemia complementation group J. Last evaluated: 2022-10-10. Review status: criteria provided, single submitter. Criteria: Invitae Variant Classification Sherloc (09022015). Collection method: clinical testing. Allele origin: germline.
Comment: This sequence change replaces proline, which is neutral and non-polar, with serine, which is neutral and polar, at codon 286 of the BRIP1 protein (p.Pro286Ser). This variant is present in population databases (rs770289817, gnomAD 0.0009%). This variant has not been reported in the literature in individuals affected with BRIP1-related conditions. ClinVar contains an entry for this variant (Variation ID: 822566). Advanced modeling of protein sequence and biophysical properties (such as structural, functional, and spatial information, amino acid conservation, physicochemical variation, residue mobility, and thermodynamic stability) performed at Invitae indicates that this missense variant is not expected to disrupt BRIP1 protein function. In summary, the available evidence is currently insufficient to determine the role of this variant in disease. Therefore, it has been classified as a Variant of Uncertain Significance.